The following is an entry in ClinVar:

ClinVar aggregate classification (germline): Uncertain significance. Review status: criteria provided, single submitter (1 of 4 stars). 2 submissions from 2 submitters: Uncertain significance (1). 1 of the submissions does not count toward it. Last evaluated 2021-07-13.

Conditions:
GNPTG-mucolipidosis. Also called: MUCOLIPIDOSIS III, COMPLEMENTATION GROUP C; MUCOLIPIDOSIS III, IRANIAN VARIANT FORM; MUCOLIPIDOSIS III, VARIANT FORM; Mucolipidosis type III gamma; ML III GAMMA; ML IIIC. Identifiers: Orphanet 423470, Orphanet 577, MedGen C1854896, MONDO:0009652, OMIM 252605.

Allele frequency attached by ClinVar (database versions not stated): gnomAD exomes below 0.00001; TOPMed below 0.00001.

Submissions (2):

Labcorp Genetics (formerly Invitae), Labcorp
Classification: Uncertain significance. Last evaluated: 2021-07-13. Review status: criteria provided, single submitter. Criteria: Invitae Variant Classification Sherloc (09022015). Collection method: clinical testing. Allele origin: germline.
Comment: This sequence change replaces leucine with proline at codon 11 of the GNPTG protein (p.Leu11Pro). The leucine residue is moderately conserved and there is a moderate physicochemical difference between leucine and proline. The frequency data for this variant in the population databases is considered unreliable, as metrics indicate insufficient coverage at this position in the ExAC database. This missense change has been observed in individual(s) with bone dysplasia (Invitae). In summary, the available evidence is currently insufficient to determine the role of this variant in disease. Therefore, it has been classified as a Variant of Uncertain Significance.

Natera, Inc.
Classification: Uncertain significance for Mucolipidosis III gamma. Last evaluated: 2020-03-10. Review status: no assertion criteria provided. Collection method: clinical testing. Allele origin: germline. Not counted in ClinVar's aggregate classification.

NM_032520.5(GNPTG):c.32T>C (p.Leu11Pro)

Genes: GNPTG (N-acetylglucosamine-1-phosphate transferase subunit gamma; plus strand), LOC130058158 (ATAC-STARR-seq lymphoblastoid silent region 6972; plus strand). Cytogenetic location: 16p13.3.
Variant type: single nucleotide variant.
Coding change: c.32T>C on transcript NM_032520.5 (MANE Select); coding-DNA position 32, T replaced by C.
Protein change: p.Leu11Pro; replaces leucine 11 with proline.
Molecular consequence: missense variant.
Genome position (GRCh38, 1-based): chr16:1,351,997, T>C. VCF-style: chr16-1351997-T-C. GRCh37 (hg19) VCF-style: chr16-1401998-T-C.
Other names: short protein forms L11P.
Identifiers: ClinVar variation 860079 (VCV000860079.7), dbSNP rs2034692072, ClinGen allele CA394183864.